The following is an entry in ClinVar:

NM_002894.3(RBBP8):c.1812+1G>C

Gene: RBBP8 (RB binding protein 8, endonuclease; plus strand). Cytogenetic location: 18q11.2.
Variant type: single nucleotide variant.
Coding change: c.1812+1G>C on transcript NM_002894.3 (MANE Select); the canonical splice donor site of the intron after coding-DNA position 1812, G replaced by C.
Molecular consequence: splice donor variant.
Genome position (GRCh38, 1-based): chr18:22,993,640, G>C. VCF-style: chr18-22993640-G-C. GRCh37 (hg19) VCF-style: chr18-20573603-G-C.
Other names: c.1812+1G>C (NM_203292.2, NM_203291.2).
Identifiers: ClinVar variation 4884200 (VCV004884200.2).

ClinVar aggregate classification (germline): Likely pathogenic (1 of 4 stars; one submission).

Submission:

Dasa
Classification: Likely pathogenic. Last evaluated: 2024-06-19. Review status: criteria provided, single submitter. Criteria: DASA Assertion Criteria. Collection method: clinical testing. Allele origin: germline.
Comment: NM_002894.3(RBBP8):c.1812+1G>C affects a canonical splice site and is predicted to disrupt normal RNA splicing. Loss of function is an established disease mechanism for RBBP8-associated disorders. Also, this variant is absent from population databases. Based on the currently available evidence, this variant is classified as likely pathogenic.